The following is an entry in ClinVar:

ClinVar aggregate classification (germline): Uncertain significance. Review status: criteria provided, multiple submitters, no conflicts (2 of 4 stars). 2 submissions from 2 submitters: Uncertain significance (2). Last evaluated 2022-04-08.

Allele frequency attached by ClinVar (database versions not stated): TOPMed below 0.00001; ExAC 0.00001; gnomAD 0.00001; gnomAD exomes 0.00001; ESP Exome Variant Server 0.00008.
gnomAD v4.1: 17 of 1,606,932 alleles (0.0011%); highest among the groups gnomAD compares: Non-Finnish European, 0.0014%; no homozygotes.

Submissions (2):

Labcorp Genetics (formerly Invitae), Labcorp
Classification: Uncertain significance. Last evaluated: 2022-04-08. Review status: criteria provided, single submitter. Criteria: Invitae Variant Classification Sherloc (09022015). Collection method: clinical testing. Allele origin: germline.
Comment: In summary, the available evidence is currently insufficient to determine the role of this variant in disease. Therefore, it has been classified as a Variant of Uncertain Significance. Algorithms developed to predict the effect of sequence changes on RNA splicing suggest that this variant may create or strengthen a splice site. Algorithms developed to predict the effect of missense changes on protein structure and function are either unavailable or do not agree on the potential impact of this missense change (SIFT: "Tolerated"; PolyPhen-2: "Possibly Damaging"; Align-GVGD: "Class C15"). ClinVar contains an entry for this variant (Variation ID: 435284). This variant has not been reported in the literature in individuals affected with GATA3-related conditions. The frequency data for this variant in the population databases is considered unreliable, as metrics indicate poor data quality at this position in the gnomAD database. This sequence change replaces glycine, which is neutral and non-polar, with arginine, which is basic and polar, at codon 248 of the GATA3 protein (p.Gly248Arg).

Genetic Services Laboratory, University of Chicago
Classification: Uncertain significance. Last evaluated: 2016-11-07. Review status: criteria provided, single submitter. Criteria: ACMG Guidelines, 2015. Collection method: clinical testing. Allele origin: germline. Affected: no.

NM_001002295.2(GATA3):c.742G>A (p.Gly248Arg)

Gene: GATA3 (GATA binding protein 3; plus strand). Cytogenetic location: 10p14.
Variant type: single nucleotide variant.
Coding change: c.742G>A on transcript NM_001002295.2 (MANE Select); coding-DNA position 742, G replaced by A.
Protein change: p.Gly248Arg; replaces glycine 248 with arginine.
Molecular consequence: missense variant.
Genome position (GRCh38, 1-based): chr10:8,058,805, G>A. VCF-style: chr10-8058805-G-A. GRCh37 (hg19) VCF-style: chr10-8100768-G-A.
Other names: c.742G>A, p.Gly248Arg (NM_002051.3); short protein forms G248R.
Identifiers: ClinVar variation 435284 (VCV000435284.13), dbSNP rs370055470, ClinGen allele CA5404451.
Genomic context (GRCh38, chr10:8,058,805, plus strand): 5'-GAGTACAGCTCCGGACTCTTCCCCCCCAGCAGCCTGCTGGGCGGCTCCCCCACCGGCTTC[G>A]GATGCAAGTCCAGGCCCAAGGCCCGGTCCAGCACAGGTAGGAGCCAGCTCTTCCCTGGAG-3'
Protein context (NP_001002295.1, residues 238-258): SLLGGSPTGF[Gly248Arg]CKSRPKARSS